The following is an entry in ClinVar:

NM_002184.4(IL6ST):c.1019A>C (p.His340Pro)

Gene: IL6ST (interleukin 6 cytokine family signal transducer; minus strand). Cytogenetic location: 5q11.2.
Variant type: single nucleotide variant.
Coding change: c.1019A>C on transcript NM_002184.4 (MANE Select); coding-DNA position 1019, A replaced by C.
Protein change: p.His340Pro; replaces histidine 340 with proline.
Molecular consequence: missense variant. On other transcripts: non-coding transcript variant (2), intron variant (2).
Genome position (GRCh38, 1-based): chr5:55,957,246, T>G on the plus strand (A>C on the coding strand, the complement: IL6ST is on the minus strand). VCF-style: chr5-55957246-T-G. GRCh37 (hg19) VCF-style: chr5-55253074-T-G.
Other names: c.116A>C, p.His39Pro (NM_001364278.2); c.61-1011A>C (NM_001364279.2); c.974-1011A>C (NM_175767.3); c.1019A>C, p.His340Pro (NM_001190981.2, NM_001364275.2); c.809A>C, p.His270Pro (NM_001364276.2); c.152A>C, p.His51Pro (NM_001364277.2); short protein forms H270P, H340P, H51P, H39P.
Identifiers: ClinVar variation 2712348 (VCV002712348.3), dbSNP rs368526229, ClinGen allele CA3271543.
Genomic context (GRCh38, chr5:55,957,246, plus strand): 5'-AAAATATAAATGTGATTTTTTACCTTCCACACGAGTTGTACAGTTCTGTAGCCTTGAGTA[T>G]GGGATGGATCTATTTTATACCAGAAACTTGGTGCTTTAGATGGTCCTAAAGAAAAGACAT-3'
Protein context (NP_002175.2, residues 330-350): PSFWYKIDPS[His340Pro]TQGYRTVQLV

ClinVar aggregate classification (germline): Uncertain significance (1 of 4 stars; one submission).

Allele frequency attached by ClinVar (database versions not stated): gnomAD exomes below 0.00001; gnomAD 0.00001.
gnomAD v4.1: 2 of 1,571,024 alleles (0.00013%); highest among the groups gnomAD compares: Non-Finnish European, 0.00017%; no homozygotes.

Submission:

Labcorp Genetics (formerly Invitae), Labcorp
Classification: Uncertain significance. Last evaluated: 2023-08-28. Review status: criteria provided, single submitter. Criteria: Invitae Variant Classification Sherloc (09022015). Collection method: clinical testing. Allele origin: germline.
Comment: This variant has not been reported in the literature in individuals affected with IL6ST-related conditions. Algorithms developed to predict the effect of missense changes on protein structure and function output the following: SIFT: "Not Available"; PolyPhen-2: "Benign"; Align-GVGD: "Not Available". The proline amino acid residue is found in multiple mammalian species, which suggests that this missense change does not adversely affect protein function. In summary, the available evidence is currently insufficient to determine the role of this variant in disease. Therefore, it has been classified as a Variant of Uncertain Significance. This sequence change replaces histidine, which is basic and polar, with proline, which is neutral and non-polar, at codon 340 of the IL6ST protein (p.His340Pro). This variant is present in population databases (rs368526229, gnomAD 0.007%).